The following is an entry in ClinVar:

ClinVar aggregate classification (germline): Uncertain significance (1 of 4 stars; one submission).

Conditions:
Hypertrophic cardiomyopathy 13. Also called: TNNC1-Related Familial Hypertrophic Cardiomyopathy. Identifiers: MedGen C2750472, MONDO:0013195, OMIM 613243.
Dilated cardiomyopathy 1Z (CMD1Z). Identifiers: Orphanet 154, MedGen C2678475, MONDO:0012745, OMIM 611879.

Submission:

Labcorp Genetics (formerly Invitae), Labcorp
Classification: Uncertain significance for Hypertrophic cardiomyopathy 13; Dilated cardiomyopathy 1Z. Last evaluated: 2023-08-04. Review status: criteria provided, single submitter. Criteria: Invitae Variant Classification Sherloc (09022015). Collection method: clinical testing. Allele origin: germline.
Comment: This sequence change falls in intron 4 of the TNNC1 gene. It does not directly change the encoded amino acid sequence of the TNNC1 protein. This variant is not present in population databases (gnomAD no frequency). This variant has not been reported in the literature in individuals affected with TNNC1-related conditions. ClinVar contains an entry for this variant (Variation ID: 572564). Algorithms developed to predict the effect of sequence changes on RNA splicing suggest that this variant may create or strengthen a splice site. In summary, the available evidence is currently insufficient to determine the role of this variant in disease. Therefore, it has been classified as a Variant of Uncertain Significance.

NM_003280.3(TNNC1):c.318-6C>G

Gene: TNNC1 (troponin C1, slow skeletal and cardiac type; minus strand). Cytogenetic location: 3p21.1.
Variant type: single nucleotide variant.
Coding change: c.318-6C>G on transcript NM_003280.3 (MANE Select); 6 bases into the intron before coding-DNA position 318, C replaced by G.
Molecular consequence: intron variant.
Genome position (GRCh38, 1-based): chr3:52,451,533, G>C on the plus strand (C>G on the coding strand, the complement: TNNC1 is on the minus strand). VCF-style: chr3-52451533-G-C. GRCh37 (hg19) VCF-style: chr3-52485549-G-C.
Other names: c.318-6C>G (LRG_378t1).
Identifiers: ClinVar variation 572564 (VCV000572564.5), dbSNP rs1559615815, ClinGen allele CA891843032.